The following is an entry in ClinVar:

ClinVar aggregate classification (germline): Uncertain significance. Review status: criteria provided, multiple submitters, no conflicts (2 of 4 stars). 2 submissions from 2 submitters: Uncertain significance (2). Last evaluated 2022-10-18.

Conditions:
Congenital multicore myopathy with external ophthalmoplegia (CMYO1B). Also called: Minicore myopathy with external ophthalmoplegia; MULTIMINICORE DISEASE WITH EXTERNAL OPHTHALMOPLEGIA; Congenital myopathy 1B, autosomal recessive; Minicore myopathy; MULTICORE MYOPATHY. Identifiers: Orphanet 598, Orphanet 98905, MedGen C1850674, MONDO:0009712, OMIM 255320, HP:0003789.
Congenital myopathy with fiber type disproportion. Also called: Congenital fiber-type disproportion myopathy; Congenital fiber-type disproportion. Identifiers: Orphanet 2020, MedGen C0546264, MONDO:0009711. Inheritance: all.
Malignant hyperthermia, susceptibility to, 1 (MHS1). Also called: RYR1-Related Malignant Hyperthermia Susceptibility; Anesthesia related hyperthermia; Malignant hyperpyrexia; Fulminating hyperpyrexia; Pharmacogenic myopathy; Malignant hyperthermia suceptibility 1. Identifiers: Orphanet 423, MedGen C2930980, MONDO:0007783, OMIM 145600.
Central core myopathy (CMYO1A). Also called: Central core disease; Myopathy, central fibrillar; CONGENITAL MYOPATHY 1A, AUTOSOMAL DOMINANT, WITH SUSCEPTIBILITY TO MALIGNANT HYPERTHERMIA. Identifiers: Orphanet 597, MedGen C5830701, MONDO:0007294, OMIM 117000.
King Denborough syndrome (KDS). Identifiers: MedGen C1840365, MONDO:0020485, OMIM 619542.
RYR1-related disorder. Also called: RYR1-related condition; RYR1-related disorders. Identifiers: MedGen CN239331.

Submissions (2):

Labcorp Genetics (formerly Invitae), Labcorp
Classification: Uncertain significance for RYR1-related disorder. Last evaluated: 2022-10-18. Review status: criteria provided, single submitter. Criteria: Invitae Variant Classification Sherloc (09022015). Collection method: clinical testing. Allele origin: germline.
Comment: This sequence change replaces arginine, which is basic and polar, with tryptophan, which is neutral and slightly polar, at codon 4303 of the RYR1 protein (p.Arg4303Trp). The frequency data for this variant in the population databases is considered unreliable, as metrics indicate insufficient coverage at this position in the gnomAD database. This variant has not been reported in the literature in individuals affected with RYR1-related conditions. ClinVar contains an entry for this variant (Variation ID: 649023). Advanced modeling of protein sequence and biophysical properties (such as structural, functional, and spatial information, amino acid conservation, physicochemical variation, residue mobility, and thermodynamic stability) performed at Invitae indicates that this missense variant is not expected to disrupt RYR1 protein function. In summary, the available evidence is currently insufficient to determine the role of this variant in disease. Therefore, it has been classified as a Variant of Uncertain Significance.

Fulgent Genetics
Classification: Uncertain significance for Central core myopathy; Malignant hyperthermia, susceptibility to, 1; Congenital myopathy 4A, autosomal dominant; Congenital multicore myopathy with external ophthalmoplegia; King Denborough syndrome. Last evaluated: 2022-03-08. Review status: criteria provided, single submitter. Criteria: ACMG Guidelines, 2015. Collection method: clinical testing. Allele origin: unknown.

NM_000540.3(RYR1):c.12907C>T (p.Arg4303Trp)

Gene: RYR1 (ryanodine receptor 1; plus strand). Cytogenetic location: 19q13.2.
Variant type: single nucleotide variant.
Coding change: c.12907C>T on transcript NM_000540.3 (MANE Select); coding-DNA position 12907, C replaced by T.
Protein change: p.Arg4303Trp; replaces arginine 4303 with tryptophan.
Molecular consequence: missense variant.
Genome position (GRCh38, 1-based): chr19:38,565,241, C>T. VCF-style: chr19-38565241-C-T. GRCh37 (hg19) VCF-style: chr19-39055881-C-T.
Other names: c.12892C>T, p.Arg4298Trp (NM_001042723.2); short protein forms R4298W, R4303W.
Identifiers: ClinVar variation 649023 (VCV000649023.7), dbSNP rs1027792397, ClinGen allele CA405672533.